The following is an entry in ClinVar:

NM_001605.3(AARS1):c.2547C>T (p.Ile849=)

Gene: AARS1 (alanyl-tRNA synthetase 1; minus strand). Cytogenetic location: 16q22.1.
Variant type: single nucleotide variant.
Coding change: c.2547C>T on transcript NM_001605.3 (MANE Select); coding-DNA position 2547, C replaced by T.
Protein change: p.Ile849=; no amino-acid change (isoleucine 849 retained).
Molecular consequence: synonymous variant.
Genome position (GRCh38, 1-based): chr16:70,253,774, G>A on the plus strand (C>T on the coding strand, the complement: AARS1 is on the minus strand). VCF-style: chr16-70253774-G-A. GRCh37 (hg19) VCF-style: chr16-70287677-G-A.
Identifiers: ClinVar variation 382758 (VCV000382758.14), dbSNP rs746615745, ClinGen allele CA8140369.

ClinVar aggregate classification (germline): Likely benign. Review status: criteria provided, multiple submitters, no conflicts (2 of 4 stars). 4 submissions from 4 submitters: Likely benign (4). Last evaluated 2025-11-17.

Conditions:
Charcot-Marie-Tooth disease type 2. Also called: Charcot-Marie-Tooth type 2. Identifiers: Orphanet 64746, MedGen C0270914, MONDO:0018993.
Inborn genetic diseases. Identifiers: MedGen C0950123, MeSH D030342.

Allele frequency attached by ClinVar (database versions not stated): gnomAD 0.00001 and 0.00002; ExAC 0.00002; gnomAD exomes 0.00003; TOPMed 0.00004.
gnomAD v4.1: 45 of 1,614,044 alleles (0.0028%); highest among the groups gnomAD compares: Middle Eastern, 0.033%; no homozygotes.

Submissions (4):

Labcorp Genetics (formerly Invitae), Labcorp
Classification: Likely benign for Charcot-Marie-Tooth disease type 2. Last evaluated: 2025-11-17. Review status: criteria provided, single submitter. Criteria: Invitae Variant Classification Sherloc (09022015). Collection method: clinical testing. Allele origin: germline.

Blueprint Genetics
Classification: Likely benign. Last evaluated: 2024-09-20. Review status: criteria provided, single submitter. Criteria: ACMG Guidelines, 2015. Collection method: clinical testing. Allele origin: germline.

Ambry Genetics
Classification: Likely benign for Inborn genetic diseases. Last evaluated: 2019-07-11. Review status: criteria provided, single submitter. Criteria: Ambry Variant Classification Scheme 2023. Collection method: clinical testing. Allele origin: germline.

GeneDx
Classification: Likely benign. Last evaluated: 2016-01-12. Review status: criteria provided, single submitter. Criteria: GeneDx Variant Classification (06012015). Collection method: clinical testing. Allele origin: germline. Affected: yes.
Comment: This variant is considered likely benign or benign based on one or more of the following criteria: it is a conservative change, it occurs at a poorly conserved position in the protein, it is predicted to be benign by multiple in silico algorithms, and/or has population frequency not consistent with disease.